The following is an entry in ClinVar:

ClinVar aggregate classification (germline): Uncertain significance (1 of 4 stars; one submission).

Conditions:
Nephronophthisis. Also called: Juvenile Nephronophthisis. Identifiers: Orphanet 655, MedGen C0687120, MONDO:0019005, HP:0000090.

Submission:

Labcorp Genetics (formerly Invitae), Labcorp
Classification: Uncertain significance for Nephronophthisis. Last evaluated: 2020-07-10. Review status: criteria provided, single submitter. Criteria: Invitae Variant Classification Sherloc (09022015). Collection method: clinical testing. Allele origin: germline.
Comment: Algorithms developed to predict the effect of sequence changes on RNA splicing suggest that this variant may create or strengthen a splice site, but this prediction has not been confirmed by published transcriptional studies. Algorithms developed to predict the effect of missense changes on protein structure and function are either unavailable or do not agree on the potential impact of this missense change (SIFT: "Deleterious"; PolyPhen-2: "Possibly Damaging"; Align-GVGD: "Class C0"). This variant has not been reported in the literature in individuals with NPHP3-related conditions. This variant is not present in population databases (ExAC no frequency). This sequence change replaces alanine with glycine at codon 282 of the NPHP3 protein (p.Ala282Gly). The alanine residue is highly conserved and there is a small physicochemical difference between alanine and glycine. In summary, the available evidence is currently insufficient to determine the role of this variant in disease. Therefore, it has been classified as a Variant of Uncertain Significance.

NM_153240.5(NPHP3):c.845C>G (p.Ala282Gly)

Genes: NPHP3 (nephrocystin 3; minus strand), NPHP3-ACAD11 (NPHP3-ACAD11 readthrough (NMD candidate); minus strand). Cytogenetic location: 3q22.1.
Variant type: single nucleotide variant.
Coding change: c.845C>G on transcript NM_153240.5 (MANE Select); coding-DNA position 845, C replaced by G.
Protein change: p.Ala282Gly; replaces alanine 282 with glycine.
Molecular consequence: missense variant. On other transcripts: non-coding transcript variant (1).
Genome position (GRCh38, 1-based): chr3:132,715,197, G>C on the plus strand (C>G on the coding strand, the complement: NPHP3 is on the minus strand). VCF-style: chr3-132715197-G-C. GRCh37 (hg19) VCF-style: chr3-132434041-G-C.
Other names: short protein forms A282G.
Identifiers: ClinVar variation 1056852 (VCV001056852.9), dbSNP rs2107998541, ClinGen allele CA354586261.
Genomic context (GRCh38, chr3:132,715,197, plus strand): 5'-CATCTGACAGTGTTACTCCACAGAGAATGTGAAAACAGAGGAGTAACTTGTAATAAACTA[G>C]CTACAGCAATATCCCAGTCATCTGAAAATAAAATTTCTCAAGTTCATGAAAAAATTACCA-3'
Protein context (NP_694972.3, residues 272-292): VNRDDWDIAV[Ala282Gly]SLLQVTPLFS